The following is an entry in ClinVar:

ClinVar aggregate classification (germline): Uncertain significance (1 of 4 stars; one submission).

Conditions:
Inborn genetic diseases. Identifiers: MedGen C0950123, MeSH D030342.

Submission:

Ambry Genetics
Classification: Uncertain significance for Inborn genetic diseases. Last evaluated: 2024-12-20. Review status: criteria provided, single submitter. Criteria: Ambry Variant Classification Scheme 2023. Collection method: clinical testing. Allele origin: germline.
Comment: The p.K1363I variant (also known as c.4088A>T), located in coding exon 1 of the SAMD9 gene, results from an A to T substitution at nucleotide position 4088. The lysine at codon 1363 is replaced by isoleucine, an amino acid with dissimilar properties. This amino acid position is conserved. In addition, this alteration is predicted to be tolerated by in silico analysis. Based on the available evidence, the clinical significance of this variant remains unclear.

NM_017654.4(SAMD9):c.4088A>T (p.Lys1363Ile)

Gene: SAMD9 (sterile alpha motif domain containing 9; minus strand). Cytogenetic location: 7q21.2.
Variant type: single nucleotide variant.
Coding change: c.4088A>T on transcript NM_017654.4 (MANE Select); coding-DNA position 4088, A replaced by T.
Protein change: p.Lys1363Ile; replaces lysine 1363 with isoleucine.
Molecular consequence: missense variant.
Genome position (GRCh38, 1-based): chr7:93,102,010, T>A on the plus strand (A>T on the coding strand, the complement: SAMD9 is on the minus strand). VCF-style: chr7-93102010-T-A. GRCh37 (hg19) VCF-style: chr7-92731323-T-A.
Other names: c.4088A>T, p.Lys1363Ile (NM_001193307.2); short protein forms K1363I.
Identifiers: ClinVar variation 3791931 (VCV003791931.1).